The following is an entry in ClinVar:

NM_022168.4(IFIH1):c.91G>T (p.Val31Leu)

Gene: IFIH1 (interferon induced with helicase C domain 1; minus strand). Cytogenetic location: 2q24.2.
Variant type: single nucleotide variant.
Coding change: c.91G>T on transcript NM_022168.4 (MANE Select); coding-DNA position 91, G replaced by T.
Protein change: p.Val31Leu; replaces valine 31 with leucine.
Molecular consequence: missense variant.
Genome position (GRCh38, 1-based): chr2:162,318,217, C>A on the plus strand (G>T on the coding strand, the complement: IFIH1 is on the minus strand). VCF-style: chr2-162318217-C-A. GRCh37 (hg19) VCF-style: chr2-163174727-C-A.
Other names: short protein forms V31L.
Identifiers: ClinVar variation 1480433 (VCV001480433.8), dbSNP rs1683550615, ClinGen allele CA349014503.
Genomic context (GRCh38, chr2:162,318,217, plus strand): 5'-CGACTGTCCTCTGAATCTGCTCCTTCACCTCTGCAGGCAGAAAGGTCAGGTAGTCCAGCA[C>A]AGGCTCCACCTGGATGTACATTTTCACCCTGGCCCTGAAGCACGAGATGAGATAGCGGAA-3'
Protein context (NP_071451.2, residues 21-41): RVKMYIQVEP[Val31Leu]LDYLTFLPAE

ClinVar aggregate classification (germline): Uncertain significance (1 of 4 stars; one submission).

Conditions:
Aicardi-Goutieres syndrome 7 (AGS7). Identifiers: Orphanet 51, MedGen C3888244, MONDO:0014367, OMIM 615846.
Singleton-Merten syndrome 1 (SGMRT1). Also called: Widened medullary cavities of bone, aortic calcification, abnormal dentition, and muscular weakness; Syndrome of widened medullary cavities of the metacarpals and phalanges, aortic calcification and abnormal dentition. Identifiers: Orphanet 85191, MedGen C4225427, MONDO:0024535, OMIM 182250.

Allele frequency attached by ClinVar (database versions not stated): gnomAD 0.00001.

Submission:

Labcorp Genetics (formerly Invitae), Labcorp
Classification: Uncertain significance for Aicardi-Goutieres syndrome 7; Singleton-Merten syndrome 1. Last evaluated: 2021-07-15. Review status: criteria provided, single submitter. Criteria: Invitae Variant Classification Sherloc (09022015). Collection method: clinical testing. Allele origin: germline.
Comment: In summary, the available evidence is currently insufficient to determine the role of this variant in disease. Therefore, it has been classified as a Variant of Uncertain Significance. Algorithms developed to predict the effect of missense changes on protein structure and function output the following: SIFT: "Tolerated"; PolyPhen-2: "Benign"; Align-GVGD: "Class C0". The leucine amino acid residue is found in multiple mammalian species, which suggests that this missense change does not adversely affect protein function. This variant has not been reported in the literature in individuals affected with IFIH1-related conditions. This variant is not present in population databases (ExAC no frequency). This sequence change replaces valine with leucine at codon 31 of the IFIH1 protein (p.Val31Leu). The valine residue is moderately conserved and there is a small physicochemical difference between valine and leucine.